The following continues an entry in ClinVar:

NM_000169.3(GLA):c.868A>C (p.Met290Leu)

ClinVar aggregate classification (germline): Conflicting classifications of pathogenicity. Pathogenic (1); Likely pathogenic (10); Uncertain significance (3).

Submissions 8 to 14 of 14:

All of Us Research Program, National Institutes of Health
Classification: Likely pathogenic for Fabry disease. Last evaluated: 2023-08-15. Review status: criteria provided, single submitter. Criteria: ACMG Guidelines, 2015. Collection method: clinical testing. Allele origin: germline. Inheritance: X-linked inheritance. Observed: 1 variant allele, 1 heterozygote.
Comment: This missense variant replaces methionine with leucine at codon 290 of the GLA protein. Computational prediction suggests that this variant may have a deleterious impact on protein structure and function (internally defined REVEL score threshold >= 0.7, PMID: 27666373). Experimental functional studies have shown that baseline alpha-galactosidase A activity of the mutant protein was ~60-70% of wild type upon heterologous expression in HEK-293 cells (PMID: 21517827, 32198894). This variant has been reported in individuals affected with Fabry disease (PMID: 21517827, 23210910, 23332617, 28069318, 30477121). Different variants affecting the same codon, c.870G>A p.Met290Ile and c.870G>C p.Met290Ile, are considered to be disease-causing (Clinvar variation ID: 222435 and 222436), suggesting that methionine at this position is important for GLA protein function. This variant has been identified in 2/183454 chromosomes in the general population by the Genome Aggregation Database (gnomAD). Based on the available evidence, this variant is classified as Likely Pathogenic.

This study involves interpretation of variants in research participants for the purpose of population health screening. Participant phenotype was not available at the time of variant classification. Additional details can be found in publication PMID: 35346344, PMCID: PMC8962531

Women's Health and Genetics/Laboratory Corporation of America, LabCorp
Classification: Likely pathogenic for Fabry disease. Last evaluated: 2022-11-26. Review status: criteria provided, single submitter. Criteria: LabCorp Variant Classification Summary - May 2015. Collection method: clinical testing. Allele origin: germline.
Comment: Variant summary: GLA c.868A>C (p.Met290Leu) results in a conservative amino acid change in the encoded protein sequence. Three of five in-silico tools predict a damaging effect of the variant on protein function. The variant allele was found at a frequency of 1.1e-05 in 183454 control chromosomes (gnomAD). c.868A>C has been reported in the literature in individuals affected with Fabry Disease (e.g. Ferri_2012, Zampetti_2013). These data indicate that the variant is likely to be associated with disease. When expressed in a heterologous HEK293 cell assay, the variant had 11.2% normal activitiy (Ferri_2012). Six ClinVar submitters have assessed the variant since 2014: four classified the variant as uncertain significance and two as likely pathogenic. Based on the evidence outlined above, the variant was classified as likely pathogenic.

Genome-Nilou Lab
Classification: Likely pathogenic for Fabry disease. Last evaluated: 2021-07-15. Review status: criteria provided, single submitter. Criteria: ACMG Guidelines, 2015. Collection method: clinical testing. Allele origin: germline. Affected: no.

Blueprint Genetics
Classification: Likely pathogenic for GLA-related disorders. Last evaluated: 2021-03-22. Review status: criteria provided, single submitter. Criteria: ACMG Guidelines, 2015. Collection method: clinical testing. Allele origin: germline. Affected: yes. Observed: 1 variant allele.

Broad Center for Mendelian Genomics, Broad Institute of MIT and Harvard
Classification: Likely pathogenic for Fabry disease. Last evaluated: 2020-01-22. Review status: criteria provided, single submitter. Criteria: ACMG Guidelines, 2015. Collection method: curation. Allele origin: germline. Inheritance: X-linked inheritance.
Comment: The p.Met290Leu variant in GLA has been reported in eight individuals with Fabry disease, has segregated with disease in 7 affected relatives from 2 families (PMID: 23210910, 28069318), and has been identified in 0.0024% (2/81914) of European (non-Finnish) chromosomes by the Genome Aggregation Database (gnomAD; dbSNP rs375538532). Although this variant has been seen in the general population, its frequency is low enough to be consistent with Fabry disease. Please note that for diseases with clinical variability, or reduced penetrance, pathogenic variants may be present at a low frequency in the general population. This variant has also been reported in ClinVar as a VUS by Invitae (Variation ID:222434). Computational prediction tools and conservation analyses suggest that this variant may impact the protein, though this information is not predictive enough to determine pathogenicity. The phenotype of an individual hemizygous for this variant is highly specific for Fabry disease based on the classic phenotype that is consistent with disease (PMID: 21517827). One additional likely pathogenic variant, causing a different amino acid change at the same position, p.Met290Ile, has been reported in association with disease in the literature, slightly supporting that a change at this position may not be tolerated (PMID: 28302345, 23935525, 22773828, 27560961, 16595074). In summary, although additional studies are required to fully establish its clinical significance, this variant is likely pathogenic. ACMG/AMP Criteria applied: PP3, PM2_supporting, PP4, PS4_supporting, PP1_moderate, PM5_supporting (Richards 2015).

X-linked inheritance (primarily recessive with milder female expression)

Revvity Omics, Revvity
Classification: Uncertain significance. Last evaluated: 2020-01-06. Review status: criteria provided, single submitter. Criteria: ACMG Guidelines, 2015. Collection method: clinical testing. Allele origin: germline.

Stanford Center for Inherited Cardiovascular Disease, Stanford University
Classification: Uncertain significance. Last evaluated: 2017-06-26. Review status: criteria provided, single submitter. Criteria: ACMG Guidelines, 2015. Collection method: provider interpretation. Allele origin: germline.

Literature cited by the submitters: PubMed 23210910 (cited by 6 submitters); PubMed 21517827 (cited by 8 submitters); PubMed 28069318 (cited by 4 submitters); PubMed 23332617 (cited by 3 submitters); PubMed 34199132 (cited by Genomenon, Inc and Ambry Genetics); PubMed 27657681 (cited by Genomenon, Inc); PubMed 23935525 (cited by Labcorp Genetics (formerly Invitae), Labcorp); PubMed 27773586 (cited by Labcorp Genetics (formerly Invitae), Labcorp); PubMed 28728877 (cited by Labcorp Genetics (formerly Invitae), Labcorp); PubMed 29307789 (cited by Labcorp Genetics (formerly Invitae), Labcorp); PubMed 30477121 (cited by 3 submitters); PubMed 32198894 (cited by Color Diagnostics, LLC DBA Color Health and All of Us Research Program, National Institutes of Health); PubMed 16595074 (cited by Ambry Genetics); PubMed 22773828 (cited by Ambry Genetics); PubMed 27560961 (cited by Ambry Genetics); PubMed 28302345 (cited by Ambry Genetics); PubMed 28646478 (cited by Ambry Genetics); PubMed 33072983 (cited by Ambry Genetics); PubMed 36156392 (cited by Ambry Genetics).